The following is an entry in ClinVar:

ClinVar aggregate classification (germline): Uncertain significance. Review status: criteria provided, multiple submitters, no conflicts (2 of 4 stars). 3 submissions from 3 submitters: Uncertain significance (3). Last evaluated 2026-07-20.

Conditions:
Inborn genetic diseases. Identifiers: MedGen C0950123, MeSH D030342.
Biotinidase deficiency. Also called: BTD deficiency; Late-onset biotin-responsive multiple carboxylase deficiency; Biotin deficiency. Identifiers: Orphanet 79241, MedGen C0220754, MONDO:0009665, OMIM 253260.

Submissions (3):

Ambry Genetics
Classification: Uncertain significance for Inborn genetic diseases. Last evaluated: 2026-07-20. Review status: criteria provided, single submitter. Criteria: Ambry Variant Classification Scheme 2023. Collection method: clinical testing. Allele origin: germline.

Quest Diagnostics Nichols Institute San Juan Capistrano
Classification: Uncertain significance. Last evaluated: 2025-05-12. Review status: criteria provided, single submitter. Criteria: Quest Diagnostics criteria. Collection method: clinical testing. Allele origin: unknown.
Comment: The BTD c.1265T>C (p.Leu422Pro) variant has not been reported in individuals with BTD-related conditions in the published literature. It also has not been reported in large, multi-ethnic general populations (Genome Aggregation Database). Analysis of this variant using bioinformatics tools for the prediction of the effect of amino acid changes on protein structure and function yielded predictions that this variant is damaging. Based on the available information, we are unable to determine the clinical significance of this variant.

Labcorp Genetics (formerly Invitae), Labcorp
Classification: Uncertain significance for Biotinidase deficiency. Last evaluated: 2021-07-31. Review status: criteria provided, single submitter. Criteria: Invitae Variant Classification Sherloc (09022015). Collection method: clinical testing. Allele origin: germline.
Comment: In summary, the available evidence is currently insufficient to determine the role of this variant in disease. Therefore, it has been classified as a Variant of Uncertain Significance. Algorithms developed to predict the effect of missense changes on protein structure and function are either unavailable or do not agree on the potential impact of this missense change (SIFT: "Deleterious"; PolyPhen-2: "Probably Damaging"; Align-GVGD: "Class C15"). This variant has not been reported in the literature in individuals with BTD-related conditions. This variant is not present in population databases (ExAC no frequency). This sequence change replaces leucine with proline at codon 422 of the BTD protein (p.Leu422Pro). The leucine residue is moderately conserved and there is a moderate physicochemical difference between leucine and proline.

NM_001370658.1(BTD):c.1205T>C (p.Leu402Pro)

Gene: BTD (biotinidase; plus strand). Cytogenetic location: 3p25.1.
Variant type: single nucleotide variant.
Coding change: c.1205T>C on transcript NM_001370658.1 (MANE Select); coding-DNA position 1205, T replaced by C.
Protein change: p.Leu402Pro; replaces leucine 402 with proline.
Molecular consequence: missense variant. On other transcripts: intron variant (2).
Genome position (GRCh38, 1-based): chr3:15,645,121, T>C. VCF-style: chr3-15645121-T-C. GRCh37 (hg19) VCF-style: chr3-15686628-T-C.
Other names: c.1265T>C, p.Leu422Pro (NM_000060.4); c.1205T>C, p.Leu402Pro (NM_001281723.4, NM_001281724.3, NM_001281725.3 and 16 more transcripts); c.1015+190T>C (NM_001370752.1); c.399+3064T>C (NM_001370753.1); c.1265T>C (NM_000060.2); short protein forms L402P, L422P.
Identifiers: ClinVar variation 1362081 (VCV001362081.12), dbSNP rs2125504955, ClinGen allele CA351608429.